The following is an entry in ClinVar:

NM_176787.5(PIGN):c.1759C>G (p.Arg587Gly)

Gene: PIGN (phosphatidylinositol glycan anchor biosynthesis class N; minus strand). Cytogenetic location: 18q21.33.
Variant type: single nucleotide variant.
Coding change: c.1759C>G on transcript NM_176787.5 (MANE Select); coding-DNA position 1759, C replaced by G.
Protein change: p.Arg587Gly; replaces arginine 587 with glycine.
Molecular consequence: missense variant.
Genome position (GRCh38, 1-based): chr18:62,106,797, G>C on the plus strand (C>G on the coding strand, the complement: PIGN is on the minus strand). VCF-style: chr18-62106797-G-C. GRCh37 (hg19) VCF-style: chr18-59774030-G-C.
Other names: c.1759C>G, p.Arg587Gly (NM_012327.6); short protein forms R587G.
Identifiers: ClinVar variation 587827 (VCV000587827.5), dbSNP rs376226764, ClinGen allele CA8982184.

ClinVar aggregate classification (germline): Uncertain significance (1 of 4 stars; one submission).

Conditions:
Inborn genetic diseases. Identifiers: MedGen C0950123, MeSH D030342.

Allele frequency attached by ClinVar (database versions not stated): TOPMed below 0.00001.
gnomAD v4.1: 4 of 1,603,330 alleles (0.00025%); highest among the groups gnomAD compares: East Asian, 0.009%; no homozygotes.

Submission:

Ambry Genetics
Classification: Uncertain significance for Inborn genetic diseases. Last evaluated: 2016-04-20. Review status: criteria provided, single submitter. Criteria: Ambry Variant Classification Scheme 2023. Collection method: clinical testing. Allele origin: germline.
Comment: The p.R587G variant (also known as c.1759C>G), located in coding exon 16 of the PIGN gene, results from a C to G substitution at nucleotide position 1759. The arginine at codon 587 is replaced by glycine, an amino acid with dissimilar properties. This variant was not reported in population based cohorts in the following databases: Database of Single Nucleotide Polymorphisms (dbSNP), NHLBI Exome Sequencing Project (ESP), and 1000 Genomes Project. In the ESP, this variant was not observed in 6032 samples (12064 alleles) with coverage at this position. This amino acid position is not well conserved in available vertebrate species. In addition, this alteration is predicted to be tolerated by in silico analysis. Since supporting evidence is limited at this time, the clinical significance of this alteration remains unclear.